The following is an entry in ClinVar:

NM_053025.4(MYLK):c.2627G>A (p.Arg876His)

Gene: MYLK (myosin light chain kinase; minus strand). Cytogenetic location: 3q21.1.
Variant type: single nucleotide variant.
Coding change: c.2627G>A on transcript NM_053025.4 (MANE Select); coding-DNA position 2627, G replaced by A.
Protein change: p.Arg876His; replaces arginine 876 with histidine.
Molecular consequence: missense variant.
Genome position (GRCh38, 1-based): chr3:123,700,841, C>T on the plus strand (G>A on the coding strand, the complement: MYLK is on the minus strand). VCF-style: chr3-123700841-C-T. GRCh37 (hg19) VCF-style: chr3-123419688-C-T.
Other names: c.2099G>A, p.Arg700His (NM_001321309.2); c.2420G>A, p.Arg807His (NM_053026.4, NM_053028.4); c.2627G>A, p.Arg876His (NM_053027.4); c.2627G>A (NM_053025.3); short protein forms R876H, R700H, R807H.
Identifiers: ClinVar variation 625982 (VCV000625982.12), dbSNP rs537224715, ClinGen allele CA068797.
Genomic context (GRCh38, chr3:123,700,841, plus strand): 5'-TCCAGCTGCTCCACCTCCTGCTGGCGGATCGCCTCCTCAGTGTGCTGCCTCGTCTCCACG[C>T]GCCTCTTCAGCACCCCTCGCACGTCCTCGCCGTCTTCCTCCTCTAGCCAACCCTGCCCTC-3'
Protein context (NP_444253.3, residues 866-886): GEDVRGVLKR[Arg876His]VETRQHTEEA

ClinVar aggregate classification (germline): Conflicting classifications of pathogenicity. Review status: criteria provided, conflicting classifications (1 of 4 stars). 4 submissions from 3 submitters: Uncertain significance (3); Likely benign (1). Last evaluated 2025-09-27.

Conditions:
Familial thoracic aortic aneurysm and aortic dissection (TAAD). Also called: Thoracic aortic aneurysms and dissections. Identifiers: Orphanet 91387, MedGen C4707243, MONDO:0019625.
Megacystis-microcolon-intestinal hypoperistalsis syndrome 1. Identifiers: MedGen C5542316, MONDO:0100354, OMIM 249210.
Aortic aneurysm, familial thoracic 7 (AAT7). Also called: AORTIC DISSECTION, FAMILIAL, WITH OR WITHOUT AORTIC ANEURYSM. Identifiers: MedGen C3151077, MONDO:0013418, OMIM 613780.

Allele frequency attached by ClinVar (database versions not stated): TOPMed 0.00002; gnomAD exomes 0.00003 and 0.00006; ExAC 0.00008; 1000 Genomes Project 30x 0.00047; 1000 Genomes Project 0.00060.
gnomAD v4.1: 48 of 1,614,086 alleles (0.003%); highest among the groups gnomAD compares: Middle Eastern, 0.033%; 2 homozygotes.

Submissions (4):

Labcorp Genetics (formerly Invitae), Labcorp
Classification: Likely benign for Aortic aneurysm, familial thoracic 7. Last evaluated: 2025-09-27. Review status: criteria provided, single submitter. Criteria: Invitae Variant Classification Sherloc (09022015). Collection method: clinical testing. Allele origin: germline.

Ambry Genetics
Classification: Uncertain significance for Familial thoracic aortic aneurysm and aortic dissection. Last evaluated: 2025-09-18. Review status: criteria provided, single submitter. Criteria: Ambry Variant Classification Scheme 2023. Collection method: clinical testing. Allele origin: germline.
Comment: The p.R876H variant (also known as c.2627G>A), located in coding exon 15 of the MYLK gene, results from a G to A substitution at nucleotide position 2627. The arginine at codon 876 is replaced by histidine, an amino acid with highly similar properties. This amino acid position is well conserved in available vertebrate species. In addition, this alteration is predicted to be tolerated by in silico analysis. Based on the available evidence, the clinical significance of this variant remains unclear.

Center for Genomics, Ann and Robert H. Lurie Children's Hospital of Chicago
Classification: Uncertain significance for Aortic aneurysm, familial thoracic 7. Last evaluated: 2017-12-22. Review status: criteria provided, single submitter. Criteria: ACMG Guidelines, 2015. Collection method: clinical testing. Allele origin: germline.
Comment: MYLK NM_053025.3 exon 18 p.Arg876His (c.2627G>A): This variant has not been reported in the literature but is present in 12/30780 South Asian alleles, including 1 homozygote in the Genome Aggregation Database. Evolutionary conservation and computational predictive tools for this variant are unclear. In summary, data on this variant is insufficient for disease classification. Therefore, the clinical significance of this variant is uncertain.

Center for Genomics, Ann and Robert H. Lurie Children's Hospital of Chicago
Classification: Uncertain significance for Megacystis-microcolon-intestinal hypoperistalsis syndrome 1; Aortic aneurysm, familial thoracic 7. Review status: criteria provided, single submitter. Criteria: ACMG Guidelines, 2015. Collection method: clinical testing. Allele origin: germline.
Comment: MYLK NM_053025 exon 18 p.Arg876His (c.2627G>A): This variant has not been reported in the literature but is present in 12/30780 South Asian alleles, including 1 homozygote in the Genome Aggregation Database. Evolutionary conservation and computational predictive tools for this variant are unclear. In summary, data on this variant is insufficient for disease classification. Therefore, the clinical significance of this variant is uncertain